The following is an entry in ClinVar:

ClinVar aggregate classification (germline): Uncertain significance (1 of 4 stars; one submission).

Submission:

GeneDx
Classification: Uncertain significance. Last evaluated: 2026-03-13. Review status: criteria provided, single submitter. Criteria: GeneDx Variant Classification Process June 2021. Collection method: clinical testing. Allele origin: germline.
Comment: Not observed at significant frequency in large population cohorts (gnomAD); In silico analysis supports that this missense variant has a deleterious effect on protein structure/function; Has not been previously published as pathogenic or benign to our knowledge

NM_006186.4(NR4A2):c.962A>T (p.Gln321Leu)

Gene: NR4A2 (nuclear receptor subfamily 4 group A member 2; minus strand). Cytogenetic location: 2q24.1.
Variant type: single nucleotide variant.
Coding change: c.962A>T on transcript NM_006186.4 (MANE Select); coding-DNA position 962, A replaced by T.
Protein change: p.Gln321Leu; replaces glutamine 321 with leucine.
Molecular consequence: missense variant.
Genome position (GRCh38, 1-based): chr2:156,328,436, T>A on the plus strand (A>T on the coding strand, the complement: NR4A2 is on the minus strand). VCF-style: chr2-156328436-T-A. GRCh37 (hg19) VCF-style: chr2-157184948-T-A.
Other names: c.773A>T, p.Gln258Leu (NM_173173.3); short protein forms Q258L, Q321L.
Identifiers: ClinVar variation 5008597 (VCV005008597.1).